The following is an entry in ClinVar:

ClinVar aggregate classification (germline): Uncertain significance (1 of 4 stars; one submission).

Conditions:
ITSN1-related disorder. Also called: ITSN1-related condition.

gnomAD v4.1: 5 of 1,613,986 alleles (0.00031%); highest among the groups gnomAD compares: African/African-American, 0.0053%; no homozygotes.

Submission:

PreventionGenetics, part of Exact Sciences
Classification: Uncertain significance for ITSN1-related condition. Last evaluated: 2026-07-15. Review status: criteria provided, single submitter. Criteria: ACMG Guidelines, 2015. Collection method: clinical testing. Allele origin: germline.
Comment: The ITSN1 c.1973A>G variant is predicted to result in the amino acid substitution p.Lys658Arg. To our knowledge, this variant has not been reported in the literature. This variant is reported in 0.018% of alleles in individuals of African descent in gnomAD. At this time, the clinical significance of this variant is uncertain due to the absence of conclusive functional and genetic evidence.

NM_003024.3(ITSN1):c.1973A>G (p.Lys658Arg)

Gene: ITSN1 (intersectin 1; plus strand). Cytogenetic location: 21q22.11.
Variant type: single nucleotide variant.
Coding change: c.1973A>G on transcript NM_003024.3 (MANE Select); coding-DNA position 1973, A replaced by G.
Protein change: p.Lys658Arg; replaces lysine 658 with arginine.
Molecular consequence: missense variant.
Genome position (GRCh38, 1-based): chr21:33,797,399, A>G. VCF-style: chr21-33797399-A-G. GRCh37 (hg19) VCF-style: chr21-35169703-A-G.
Other names: c.1973A>G, p.Lys658Arg (NM_001001132.2, NM_001331008.2, NM_001331009.2 and 2 more transcripts); c.1862A>G, p.Lys621Arg (NM_001331012.2); short protein forms K621R, K658R.
Identifiers: ClinVar variation 4980503 (VCV004980503.1).